The following is an entry in ClinVar:

ClinVar aggregate classification (germline): Likely benign (0 of 4 stars; one submission).

Conditions:
SLIT3-related disorder. Also called: SLIT3-related condition.

Allele frequency attached by ClinVar (database versions not stated): TOPMed below 0.00001; gnomAD 0.00006; gnomAD exomes 0.00016; ExAC 0.00044; 1000 Genomes Project 0.00100; 1000 Genomes Project 30x 0.00109.
gnomAD v4.1: 244 of 1,613,450 alleles (0.015%); highest among the groups gnomAD compares: South Asian, 0.26%; 5 homozygotes.

Submission:

PreventionGenetics, part of Exact Sciences
Classification: Likely benign for SLIT3-related condition. Last evaluated: 2023-05-01. Review status: no assertion criteria provided. Collection method: clinical testing. Allele origin: germline.
Comment: This variant is classified as likely benign based on ACMG/AMP sequence variant interpretation guidelines (Richards et al. 2015 PMID: 25741868, with internal and published modifications).

NM_003062.4(SLIT3):c.3088C>T (p.Leu1030=)

Gene: SLIT3 (slit guidance ligand 3; minus strand). Cytogenetic location: 5q34.
Variant type: single nucleotide variant.
Coding change: c.3088C>T on transcript NM_003062.4 (MANE Select); coding-DNA position 3088, C replaced by T.
Protein change: p.Leu1030=; no amino-acid change (leucine 1030 retained).
Molecular consequence: synonymous variant.
Genome position (GRCh38, 1-based): chr5:168,692,695, G>A on the plus strand (C>T on the coding strand, the complement: SLIT3 is on the minus strand). VCF-style: chr5-168692695-G-A. GRCh37 (hg19) VCF-style: chr5-168119700-G-A.
Other names: c.3109C>T, p.Leu1037= (NM_001271946.2).
Identifiers: ClinVar variation 3047769 (VCV003047769.2), dbSNP rs577752594, ClinGen allele CA3551025.